The following is an entry in ClinVar:

NM_000341.4(SLC3A1):c.1421G>A (p.Gly474Glu)

Gene: SLC3A1 (solute carrier family 3 member 1; plus strand). Cytogenetic location: 2p21.
Variant type: single nucleotide variant.
Coding change: c.1421G>A on transcript NM_000341.4 (MANE Select); coding-DNA position 1421, G replaced by A.
Protein change: p.Gly474Glu; replaces glycine 474 with glutamic acid.
Molecular consequence: missense variant.
Genome position (GRCh38, 1-based): chr2:44,312,674, G>A. VCF-style: chr2-44312674-G-A. GRCh37 (hg19) VCF-style: chr2-44539813-G-A.
Other names: p.Gly474Glu; short protein forms G474E.
Identifiers: ClinVar variation 3380806 (VCV003380806.2).

ClinVar aggregate classification (germline): Likely pathogenic (1 of 4 stars; one submission).

Submission:

Mayo Clinic Laboratories, Mayo Clinic
Classification: Likely pathogenic. Last evaluated: 2025-04-30. Review status: criteria provided, single submitter. Criteria: ACMG Guidelines, 2015. Collection method: clinical testing. Allele origin: germline. Observed: 1 variant allele.
Comment: PP3_strong, PM2_supporting, PM3